The following is an entry in ClinVar:

NM_001267550.2(TTN):c.93803A>C (p.Lys31268Thr)

Genes: TTN (titin; minus strand), TTN-AS1 (TTN antisense RNA 1; plus strand). Cytogenetic location: 2q31.2.
Variant type: single nucleotide variant.
Coding change: c.93803A>C on transcript NM_001267550.2 (MANE Select); coding-DNA position 93803, A replaced by C.
Protein change: p.Lys31268Thr; replaces lysine 31268 with threonine.
Molecular consequence: missense variant.
Genome position (GRCh38, 1-based): chr2:178,547,823, T>G on the plus strand (A>C on the coding strand, the complement: TTN is on the minus strand). VCF-style: chr2-178547823-T-G. GRCh37 (hg19) VCF-style: chr2-179412550-T-G.
Other names: c.88880A>C, p.Lys29627Thr (NM_001256850.1); c.66608A>C, p.Lys22203Thr (NM_003319.4); c.66983A>C, p.Lys22328Thr (NM_133432.3); c.67184A>C, p.Lys22395Thr (NM_133437.4); c.86099A>C, p.Lys28700Thr (NM_133378.4); c.93803A>C (NM_001267550.1); short protein forms K28700T, K31268T, K22328T, K22203T, K22395T, K29627T.
Identifiers: ClinVar variation 179037 (VCV000179037.54), dbSNP rs200766837, ClinGen allele CA183580.

ClinVar aggregate classification (germline): Conflicting classifications of pathogenicity. Review status: criteria provided, conflicting classifications (1 of 4 stars). 20 submissions from 16 submitters: Uncertain significance (7); Benign (5); Likely benign (5). 3 of the submissions do not count toward it. Last evaluated 2026-02-01.

Conditions:
Dilated cardiomyopathy 1G (CMD1G). Identifiers: Orphanet 154, MedGen C1858763, MONDO:0011400, OMIM 604145.
Autosomal recessive limb-girdle muscular dystrophy type 2J (LGMDR10). Also called: Limb-girdle muscular dystrophy, type 2J; MUSCULAR DYSTROPHY, LIMB-GIRDLE, AUTOSOMAL RECESSIVE 10. Identifiers: Orphanet 140922, MedGen C1837342, MONDO:0012127, OMIM 608807.
Cardiovascular phenotype. Identifiers: MedGen CN230736.
TTN-related disorder. Also called: TTN-related condition; TTN-related disease; TTN-related disorders.
Cardiomyopathy (CMYO). Also called: Cardiomyopathies. Identifiers: Orphanet 167848, MedGen C0878544, MONDO:0004994, HP:0001638. Inheritance: Various modes of inheritance.
Tibial muscular dystrophy (TMD). Also called: Udd Distal Myopathy – Tibial Muscular Dystrophy; UDD MYOPATHY; Tibial muscular dystrophy, tardive. Identifiers: Orphanet 609, MedGen C1838244, MONDO:0010870, OMIM 600334.
Early-onset myopathy with fatal cardiomyopathy (CMYO5). Also called: CONGENITAL MYOPATHY 5 WITH CARDIOMYOPATHY; Salih Myopathy. Identifiers: Orphanet 289377, MedGen C2673677, MONDO:0012714, OMIM 611705. Disease mechanism: loss of function.
Myopathy, myofibrillar, 9, with early respiratory failure (MFM9). Also called: Hereditary myopathy with early respiratory failure; EDSTROM MYOPATHY; MYOPATHY, PROXIMAL, WITH EARLY RESPIRATORY MUSCLE INVOLVEMENT; Myopathy, distal, with early respiratory failure, autosomal dominant. Identifiers: Orphanet 178464, Orphanet 34521, MedGen C1863599, MONDO:0011362, OMIM 603689.
Myopathy. Identifiers: MedGen C0026848, MeSH D009135, MONDO:0005336, HP:0003198.

Allele frequency attached by ClinVar (database versions not stated): gnomAD 0.00018 and 0.00021; gnomAD exomes 0.00032 and 0.00050; ExAC 0.00071; ESP Exome Variant Server 0.00008; TOPMed 0.00017.
gnomAD v4.1: 509 of 1,613,792 alleles (0.032%); highest among the groups gnomAD compares: Non-Finnish European, 0.031%; no homozygotes.

Submissions (20):

Labcorp Genetics (formerly Invitae), Labcorp
Classification: Likely benign for Dilated cardiomyopathy 1G; Autosomal recessive limb-girdle muscular dystrophy type 2J. Last evaluated: 2026-02-01. Review status: criteria provided, single submitter. Criteria: Invitae Variant Classification Sherloc (09022015). Collection method: clinical testing. Allele origin: germline.

PreventionGenetics, part of Exact Sciences
Classification: Likely benign for TTN-related condition. Last evaluated: 2025-07-09. Review status: criteria provided, single submitter. Criteria: ACMG Guidelines, 2015. Collection method: clinical testing. Allele origin: germline.
Comment: This variant is classified as likely benign based on ACMG/AMP sequence variant interpretation guidelines (Richards et al. 2015 PMID: 25741868, with internal and published modifications).

Blueprint Genetics
Classification: Likely benign. Last evaluated: 2024-10-01. Review status: criteria provided, single submitter. Criteria: ACMG Guidelines, 2015. Collection method: clinical testing. Allele origin: germline.

Athena Diagnostics
Classification: Benign. Last evaluated: 2023-11-09. Review status: criteria provided, single submitter. Criteria: Athena Diagnostics Criteria. Collection method: clinical testing. Allele origin: unknown.

CHEO Genetics Diagnostic Laboratory, Children's Hospital of Eastern Ontario
Classification: Benign for Cardiomyopathy. Last evaluated: 2023-05-26. Review status: criteria provided, single submitter. Criteria: ACMG Guidelines, 2015. Collection method: clinical testing. Allele origin: germline.

Revvity Omics, Revvity
Classification: Uncertain significance. Last evaluated: 2022-04-11. Review status: criteria provided, single submitter. Criteria: ACMG Guidelines, 2015. Collection method: clinical testing. Allele origin: germline.

Women's Health and Genetics/Laboratory Corporation of America, LabCorp
Classification: Likely benign. Last evaluated: 2021-03-15. Review status: criteria provided, single submitter. Criteria: LabCorp Variant Classification Summary - May 2015. Collection method: clinical testing. Allele origin: germline.
Comment: Variant summary: TTN c.86099A>C (p.Lys28700Thr) results in a non-conservative amino acid change located in the I-band region of the encoded protein sequence. Four of five in-silico tools predict a damaging effect of the variant on protein function. The variant allele was found at a frequency of 0.0005 in 248546 control chromosomes. The observed variant frequency is approximately 1.3 fold of the estimated maximal expected allele frequency for a pathogenic variant in TTN causing Dilated Cardiomyopathy phenotype (0.00039), strongly suggesting that the variant is benign. To our knowledge, no occurrence of c.86099A>C in individuals affected with Dilated Cardiomyopathy and no experimental evidence demonstrating its impact on protein function have been reported. Six clinical diagnostic laboratories have submitted clinical-significance assessments for this variant to ClinVar after 2014 without evidence for independent evaluation. Multiple laboratories reported the variant with conflicting assessments (benign, n=2; likely benign, n=1; VUS, n=3). Based on the evidence outlined above, the variant was classified as likely benign.

Ambry Genetics
Classification: Uncertain significance for Cardiovascular phenotype. Last evaluated: 2019-03-27. Review status: criteria provided, single submitter. Criteria: Ambry Variant Classification Scheme 2023. Collection method: clinical testing. Allele origin: germline.
Comment: The p.K22203T variant (also known as c.66608A>C), located in coding exon 166 of the TTN gene, results from an A to C substitution at nucleotide position 66608. The lysine at codon 22203 is replaced by threonine, an amino acid with similar properties. This amino acid position is well conserved in available vertebrate species. In addition, this alteration is predicted to be tolerated by in silico analysis. Since supporting evidence is limited at this time, the clinical significance of this alteration remains unclear.

GeneDx
Classification: Likely benign. Last evaluated: 2019-03-12. Review status: criteria provided, single submitter. Criteria: GeneDx Variant Classification Process June 2021. Collection method: clinical testing. Allele origin: germline. Affected: yes.
Comment: This variant is associated with the following publications: (PMID: 27115767)

Laboratory for Molecular Medicine, Mass General Brigham Personalized Medicine
Classification: Benign. Last evaluated: 2018-11-09. Review status: criteria provided, single submitter. Criteria: LMM Criteria. Collection method: clinical testing. Allele origin: germline. Observed: 2 variant alleles.
Comment: proposed classification - variant undergoing re-assessment, contact laboratory

Eurofins Ntd Llc (ga)
Classification: Uncertain significance. Last evaluated: 2017-08-22. Review status: criteria provided, single submitter. Criteria: EGL Classification Definitions 2015. Collection method: clinical testing. Allele origin: germline. Observed: 4 variant alleles, 4 heterozygotes.

Illumina Laboratory Services, Illumina
Classification: Benign for Myopathy, myofibrillar, 9, with early respiratory failure. Last evaluated: 2017-04-27. Review status: criteria provided, single submitter. Criteria: ICSL Variant Classification Criteria 13 December 2019. Collection method: clinical testing. Allele origin: germline.
Comment: This variant was observed as part of a predisposition screen in an ostensibly healthy population. A literature search was performed for the gene, cDNA change, and amino acid change (where applicable). No publications were found based on this search. Allele frequency data from public databases was too high to be consistent with this variant causing disease. Therefore, this variant is classified as benign.

Illumina Laboratory Services, Illumina
Classification: Benign for Tibial muscular dystrophy. Last evaluated: 2017-04-27. Review status: criteria provided, single submitter. Criteria: ICSL Variant Classification Criteria 13 December 2019. Collection method: clinical testing. Allele origin: germline.
Comment: the same text as in the submission from Illumina Laboratory Services, Illumina above.

Illumina Laboratory Services, Illumina
Classification: Uncertain significance for Dilated cardiomyopathy 1G. Last evaluated: 2017-04-27. Review status: criteria provided, single submitter. Criteria: ICSL Variant Classification Criteria 13 December 2019. Collection method: clinical testing. Allele origin: germline.

Illumina Laboratory Services, Illumina
Classification: Uncertain significance for Early-onset myopathy with fatal cardiomyopathy. Last evaluated: 2017-04-27. Review status: criteria provided, single submitter. Criteria: ICSL Variant Classification Criteria 13 December 2019. Collection method: clinical testing. Allele origin: germline.

Illumina Laboratory Services, Illumina
Classification: Uncertain significance for Autosomal recessive limb-girdle muscular dystrophy type 2J. Last evaluated: 2017-04-27. Review status: criteria provided, single submitter. Criteria: ICSL Variant Classification Criteria 13 December 2019. Collection method: clinical testing. Allele origin: germline.

Centre for Mendelian Genomics, University Medical Centre Ljubljana
Classification: Uncertain significance for Myopathy. Last evaluated: 2014-06-29. Review status: criteria provided, single submitter. Criteria: ACMG Guidelines, 2015. Collection method: clinical testing. Allele origin: unknown. Affected: yes.

Clinical Genetics, Academic Medical Center
Classification: Likely benign. Review status: no assertion criteria provided. Collection method: clinical testing. Allele origin: germline. Affected: yes. Study: VKGL Data-share Consensus. Not counted in ClinVar's aggregate classification.

Diagnostic Laboratory, Department of Genetics, University Medical Center Groningen
Classification: Likely benign. Review status: no assertion criteria provided. Collection method: clinical testing. Allele origin: germline. Affected: yes. Study: VKGL Data-share Consensus. Not counted in ClinVar's aggregate classification.

Genome Diagnostics Laboratory, University Medical Center Utrecht
Classification: Likely benign. Review status: no assertion criteria provided. Collection method: clinical testing. Allele origin: germline. Affected: yes. Study: VKGL Data-share Consensus. Not counted in ClinVar's aggregate classification.

Literature cited by the submitters: PubMed 37904629 (cited by Athena Diagnostics); PubMed 29590070 (cited by Athena Diagnostics).